The following is an entry in ClinVar:

NM_025074.7(FRAS1):c.11877G>A (p.Pro3959=)

Gene: FRAS1 (Fraser extracellular matrix complex subunit 1; plus strand). Cytogenetic location: 4q21.21.
Variant type: single nucleotide variant.
Coding change: c.11877G>A on transcript NM_025074.7 (MANE Select); coding-DNA position 11877, G replaced by A.
Protein change: p.Pro3959=; no amino-acid change (proline 3959 retained).
Molecular consequence: synonymous variant.
Genome position (GRCh38, 1-based): chr4:78,540,962, G>A. VCF-style: chr4-78540962-G-A. GRCh37 (hg19) VCF-style: chr4-79462116-G-A.
Identifiers: ClinVar variation 2696091 (VCV002696091.17), dbSNP rs772547768, ClinGen allele CA2979317.

ClinVar aggregate classification (germline): Likely benign. Review status: criteria provided, multiple submitters, no conflicts (2 of 4 stars). 2 submissions from 2 submitters: Likely benign (2). Last evaluated 2024-09-01.

Allele frequency attached by ClinVar (database versions not stated): gnomAD exomes 0.00001; ExAC 0.00002; gnomAD 0.00003; TOPMed 0.00003.
gnomAD v4.1: 12 of 1,613,674 alleles (0.00074%); highest among the groups gnomAD compares: East Asian, 0.0045%; no homozygotes.

Submissions (2):

CeGaT Center for Human Genetics Tuebingen
Classification: Likely benign. Last evaluated: 2024-09-01. Review status: criteria provided, single submitter. Criteria: CeGaT Center For Human Genetics Tuebingen Variant Classification Criteria Version 2. Collection method: clinical testing. Allele origin: germline. Affected: yes. Observed: 1 variant allele.
Comment: FRAS1: BP4, BP7

Labcorp Genetics (formerly Invitae), Labcorp
Classification: Likely benign. Last evaluated: 2024-01-28. Review status: criteria provided, single submitter. Criteria: Invitae Variant Classification Sherloc (09022015). Collection method: clinical testing. Allele origin: germline.